The following is an entry in ClinVar:

NM_000093.5(COL5A1):c.392_399del (p.Glu131fs)

Gene: COL5A1 (collagen type V alpha 1 chain; plus strand). Cytogenetic location: 9q34.3.
Variant type: Deletion.
Coding change: c.392_399del on transcript NM_000093.5 (MANE Select); coding-DNA positions 392 to 399, 8 bases deleted (AGCTGGGC; older notation c.392_399delAGCTGGGC).
Protein change: p.Glu131fs; shifts the reading frame from glutamic acid 131.
Molecular consequence: frameshift variant.
Genome position (GRCh38, 1-based): chr9:134,700,023-134,700,030, AGCTGGGC deleted. VCF-style (leftmost placement, unchanged base first): chr9-134700022-GAGCTGGGC-G. GRCh37 (hg19) VCF-style: chr9-137591868-GAGCTGGGC-G.
Other names: c.392_399del, p.Glu131fs (NM_001278074.1); short protein forms E131fs.
Identifiers: ClinVar variation 3654017 (VCV003654017.2).
Genomic context (GRCh38, chr9:134,700,022, plus strand): 5'-GGCAGCCAGGCCTTCCTGGTCTCCATCTACAACGAGCAGGGTATCCAGCAGATTGGGCTG[GAGCTGGGC>G]CGCTCTCCCGTCTTCCTCTACGAGGACCACACGGGGAAGCCTGGCCCGGAAGACTACCCC-3'

ClinVar aggregate classification (germline): Pathogenic (1 of 4 stars; one submission).

Conditions:
Ehlers-Danlos syndrome, classic type, 1 (EDSCL1). Also called: EHLERS-DANLOS SYNDROME, GRAVIS TYPE; EHLERS-DANLOS SYNDROME, SEVERE CLASSIC TYPE; Ehlers-Danlos syndrome, type 1; Ehlers-Danlos Syndrome, Classic Type, COL5A1-Related; EDS I. Identifiers: MedGen C0268335, MONDO:0019567, OMIM 130000.

Submission:

Labcorp Genetics (formerly Invitae), Labcorp
Classification: Pathogenic for Ehlers-Danlos syndrome, classic type, 1. Last evaluated: 2024-05-21. Review status: criteria provided, single submitter. Criteria: Invitae Variant Classification Sherloc (09022015). Collection method: clinical testing. Allele origin: germline.
Comment: This sequence change creates a premature translational stop signal (p.Glu131Alafs*51) in the COL5A1 gene. It is expected to result in an absent or disrupted protein product. Loss-of-function variants in COL5A1 are known to be pathogenic (PMID: 23587214). This variant is not present in population databases (gnomAD no frequency). This variant has not been reported in the literature in individuals affected with COL5A1-related conditions. For these reasons, this variant has been classified as Pathogenic.

Literature cited by the submitters: PubMed 23587214.